The following is an entry in ClinVar:

NM_005866.4(SIGMAR1):c.*46G>A

Gene: SIGMAR1 (sigma receptor chaperone 1; minus strand). Cytogenetic location: 9p13.3.
Variant type: single nucleotide variant.
Coding change: c.*46G>A on transcript NM_005866.4 (MANE Select); 46 bases downstream of the stop codon, G replaced by A.
Molecular consequence: 3 prime UTR variant. On other transcripts: non-coding transcript variant (1).
Genome position (GRCh38, 1-based): chr9:34,635,586, C>T on the plus strand (G>A on the coding strand, the complement: SIGMAR1 is on the minus strand). VCF-style: chr9-34635586-C-T. GRCh37 (hg19) VCF-style: chr9-34635583-C-T.
Other names: c.*32G>A (NM_001282205.2); c.*46G>A (NM_001282206.2, NM_001282207.2, NM_147157.3); c.*261G>A (NM_001282208.2); c.*245G>A (NM_001282209.2).
Identifiers: ClinVar variation 4983075 (VCV004983075.1).
Genomic context (GRCh38, chr9:34,635,586, plus strand): 5'-TCTGCATGGTGTATGTCCCTGTCTGTAAACATGGGCTCCAGCAAGTGGATATGTGCGGGC[C>T]TGCCCGCTCCTGTCTATCCGCAGGTCTTCCTTCAGGCCTGGCTGGTCAAGGGTCCTGGCC-3'

ClinVar aggregate classification (germline): Uncertain significance (1 of 4 stars; one submission).

Conditions:
SIGMAR1-related disorder. Also called: SIGMAR1-related condition.

gnomAD v4.1: 60 of 1,612,034 alleles (0.0037%); highest among the groups gnomAD compares: Non-Finnish European, 0.0049%; 1 homozygote.

Submission:

PreventionGenetics, part of Exact Sciences
Classification: Uncertain significance for SIGMAR1-related condition. Last evaluated: 2026-05-06. Review status: criteria provided, single submitter. Criteria: ACMG Guidelines, 2015. Collection method: clinical testing. Allele origin: germline.
Comment: The SIGMAR1 c.*46G>A variant is located in the 3' untranslated region. To our knowledge, this variant has not been reported in the literature. This variant is reported in 0.0095% of alleles in individuals of European (Non-Finnish) descent in gnomAD. At this time, the clinical significance of this variant is uncertain due to the absence of conclusive functional and genetic evidence.